The following is an entry in ClinVar:

NM_000170.3(GLDC):c.1691G>T (p.Ser564Ile)

Gene: GLDC (glycine decarboxylase; minus strand). Cytogenetic location: 9p24.1.
Variant type: single nucleotide variant.
Coding change: c.1691G>T on transcript NM_000170.3 (MANE Select); coding-DNA position 1691, G replaced by T.
Protein change: p.Ser564Ile; replaces serine 564 with isoleucine.
Molecular consequence: missense variant.
Genome position (GRCh38, 1-based): chr9:6,588,417, C>A on the plus strand (G>T on the coding strand, the complement: GLDC is on the minus strand). VCF-style: chr9-6588417-C-A. GRCh37 (hg19) VCF-style: chr9-6588417-C-A.
Other names: c.1691G>T (NM_000170.2); short protein forms S564I.
Identifiers: ClinVar variation 11982 (VCV000011982.14), dbSNP rs121964974, ClinGen allele CA341165.

ClinVar aggregate classification (germline): Pathogenic/Likely pathogenic. Review status: criteria provided, multiple submitters, no conflicts (2 of 4 stars). 6 submissions from 6 submitters: Pathogenic (3); Likely pathogenic (1). 2 of the submissions do not count toward it. Last evaluated 2025-12-19.

Conditions:
GLDC-related disorders.
Glycine encephalopathy 1 (GCE1). Identifiers: MedGen CN376801, MONDO:0958179, OMIM 605899.
Glycine encephalopathy. Also called: Non-ketotic hyperglycinemia; Nonketotic hyperglycinemia. Identifiers: Orphanet 407, MedGen C0751748, MONDO:0011612, HP:0008288.

Allele frequency attached by ClinVar (database versions not stated): TOPMed 0.00001; ExAC 0.00007; gnomAD 0.00015 and 0.00016; gnomAD exomes 0.00021.
gnomAD v4.1: 120 of 1,612,136 alleles (0.0074%); highest among the groups gnomAD compares: Non-Finnish European, 0.000085%; no homozygotes.

Submissions (6):

Natera, Inc.
Classification: Pathogenic for Non-ketotic hyperglycinemia. Last evaluated: 2025-12-19. Review status: criteria provided, single submitter. Criteria: Natera Variant Classification Schema (03/2026). Collection method: clinical testing. Allele origin: germline.
Comment: The c.1691G>T variant in GLDC is a missense variant predicted to cause substitution of serine to isoleucine at amino acid 564. This variant is rare in the general population with a frequency below the threshold expected for the associated phenotype(s). This variant has been observed in one or more individuals affected with the associated recessive disease, as either homozygous or compound heterozygous with a second variant (PMID: 27362913). Computational prediction algorithms indicate this variant is likely to affect gene or protein function. Given the available evidence, this variant is classified as Pathogenic.

Blueprint Genetics
Classification: Pathogenic for GLDC-related disorders. Last evaluated: 2024-02-01. Review status: criteria provided, single submitter. Criteria: ACMG Guidelines, 2015. Collection method: clinical testing. Allele origin: germline. Affected: yes. Observed: 5 variant alleles.

Labcorp Genetics (formerly Invitae), Labcorp
Classification: Pathogenic for Glycine encephalopathy. Last evaluated: 2023-10-10. Review status: criteria provided, single submitter. Criteria: Invitae Variant Classification Sherloc (09022015). Collection method: clinical testing. Allele origin: germline.
Comment: This sequence change replaces serine, which is neutral and polar, with isoleucine, which is neutral and non-polar, at codon 564 of the GLDC protein (p.Ser564Ile). This variant is present in population databases (rs121964974, gnomAD 0.2%). This missense change has been observed in individual(s) with glycine encephalopathy and/or nonketotic hyperglycinemia (PMID: 1634607, 27362913). In at least one individual the data is consistent with being in trans (on the opposite chromosome) from a pathogenic variant. ClinVar contains an entry for this variant (Variation ID: 11982). Advanced modeling of protein sequence and biophysical properties (such as structural, functional, and spatial information, amino acid conservation, physicochemical variation, residue mobility, and thermodynamic stability) performed at Invitae indicates that this missense variant is expected to disrupt GLDC protein function. Experimental studies have shown that this missense change affects GLDC function (PMID: 1634607, 15192636, 15236413, 15824356). For these reasons, this variant has been classified as Pathogenic.

Revvity Omics, Revvity
Classification: Likely pathogenic for Glycine encephalopathy 1. Last evaluated: 2021-11-23. Review status: criteria provided, single submitter. Criteria: ACMG Guidelines, 2015. Collection method: clinical testing. Allele origin: germline.

GeneReviews
Classification: Pathogenic for Glycine Encephalopathy. Last evaluated: 2013-07-11. Review status: no assertion criteria provided. Collection method: curation. Allele origin: unknown. Not counted in ClinVar's aggregate classification.
ClinVar note: Converted during submission from pathologic to Pathogenic.

OMIM
Classification: Pathogenic for GLYCINE ENCEPHALOPATHY 1. Last evaluated: 1992-07-01. Review status: no assertion criteria provided. Collection method: literature only. Allele origin: germline. Not counted in ClinVar's aggregate classification.

Literature cited by the submitters: PubMed 27362913 (cited by Natera, Inc. and Labcorp Genetics (formerly Invitae), Labcorp); PubMed 1634607 (cited by Labcorp Genetics (formerly Invitae), Labcorp and OMIM); PubMed 15192636 (cited by Labcorp Genetics (formerly Invitae), Labcorp); PubMed 15236413 (cited by Labcorp Genetics (formerly Invitae), Labcorp); PubMed 15824356 (cited by Labcorp Genetics (formerly Invitae), Labcorp); PubMed 445864 (cited by OMIM).